The following is an entry in ClinVar:

NM_000136.3(FANCC):c.529C>T (p.Pro177Ser)

Genes: FANCC (FA complementation group C; minus strand), AOPEP (aminopeptidase O (putative); plus strand). Cytogenetic location: 9q22.32.
Variant type: single nucleotide variant.
Coding change: c.529C>T on transcript NM_000136.3 (MANE Select); coding-DNA position 529, C replaced by T.
Protein change: p.Pro177Ser; replaces proline 177 with serine.
Molecular consequence: missense variant.
Genome position (GRCh38, 1-based): chr9:95,150,080, G>A on the plus strand (C>T on the coding strand, the complement: FANCC is on the minus strand). VCF-style: chr9-95150080-G-A. GRCh37 (hg19) VCF-style: chr9-97912362-G-A.
Other names: c.529C>T, p.Pro177Ser (NM_001243743.2, NM_001243744.2); short protein forms P177S.
Identifiers: ClinVar variation 1746672 (VCV001746672.5), dbSNP rs773272931, ClinGen allele CA5137700.

ClinVar aggregate classification (germline): Uncertain significance. Review status: criteria provided, multiple submitters, no conflicts (2 of 4 stars). 2 submissions from 2 submitters: Uncertain significance (2). Last evaluated 2025-06-23.

Conditions:
Hereditary cancer-predisposing syndrome. Also called: Hereditary Cancer Syndrome; Neoplastic Syndromes, Hereditary; Tumor predisposition; Hereditary neoplastic syndrome. Identifiers: Orphanet 140162, MedGen C0027672, MeSH D009386, MONDO:0015356.
Fanconi anemia (FA). Also called: Fanconi's anemia. Identifiers: Orphanet 84, MedGen C0015625, MeSH D005199, MONDO:0019391.

Submissions (2):

Labcorp Genetics (formerly Invitae), Labcorp
Classification: Uncertain significance for Fanconi anemia. Last evaluated: 2025-06-23. Review status: criteria provided, single submitter. Criteria: Invitae Variant Classification Sherloc (09022015). Collection method: clinical testing. Allele origin: germline.
Comment: This sequence change replaces proline, which is neutral and non-polar, with serine, which is neutral and polar, at codon 177 of the FANCC protein (p.Pro177Ser). This variant is present in population databases (rs773272931, gnomAD 0.0009%). This variant has not been reported in the literature in individuals affected with FANCC-related conditions. ClinVar contains an entry for this variant (Variation ID: 1746672). Invitae Evidence Modeling of protein sequence and biophysical properties (such as structural, functional, and spatial information, amino acid conservation, physicochemical variation, residue mobility, and thermodynamic stability) indicates that this missense variant is not expected to disrupt FANCC protein function with a negative predictive value of 80%. In summary, the available evidence is currently insufficient to determine the role of this variant in disease. Therefore, it has been classified as a Variant of Uncertain Significance.

Ambry Genetics
Classification: Uncertain significance for Hereditary cancer-predisposing syndrome. Last evaluated: 2024-01-05. Review status: criteria provided, single submitter. Criteria: Ambry Variant Classification Scheme 2023. Collection method: clinical testing. Allele origin: germline.
Comment: The p.P177S variant (also known as c.529C>T), located in coding exon 6 of the FANCC gene, results from a C to T substitution at nucleotide position 529. The proline at codon 177 is replaced by serine, an amino acid with similar properties. This amino acid position is conserved. In addition, this alteration is predicted to be tolerated by in silico analysis. Since supporting evidence is limited at this time, the clinical significance of this alteration remains unclear.